The following is an entry in ClinVar:

NM_000535.7(PMS2):c.988+3A>G

Gene: PMS2 (PMS1 homolog 2, mismatch repair system component; minus strand). Cytogenetic location: 7p22.1.
Variant type: single nucleotide variant.
Coding change: c.988+3A>G on transcript NM_000535.7 (MANE Select); 3 bases into the intron after coding-DNA position 988, A replaced by G.
Molecular consequence: intron variant.
Genome position (GRCh38, 1-based): chr7:5,991,970, T>C on the plus strand (A>G on the coding strand, the complement: PMS2 is on the minus strand). VCF-style: chr7-5991970-T-C. GRCh37 (hg19) VCF-style: chr7-6031601-T-C.
Other names: c.670+3A>G (NM_001322008.2, NM_001322007.2); c.583+3A>G (NM_001322010.2, NM_001322004.2, NM_001322003.2 and 2 more transcripts); c.415+3A>G (NM_001322013.2); c.55+3A>G (NM_001322012.2, NM_001322011.2); c.679+3A>G (NM_001322015.2); c.988+3A>G (NM_001322006.2, NM_001322014.2).
Identifiers: ClinVar variation 823537 (VCV000823537.12), dbSNP rs751329878, ClinGen allele CA915944877.

ClinVar aggregate classification (germline): Conflicting classifications of pathogenicity. Review status: criteria provided, conflicting classifications (1 of 4 stars). 3 submissions from 3 submitters: Uncertain significance (2); Likely benign (1). Last evaluated 2025-12-09.

Conditions:
Hereditary nonpolyposis colorectal neoplasms. Identifiers: MedGen C0009405, MeSH D003123.
Hereditary cancer-predisposing syndrome. Also called: Tumor predisposition; Hereditary Cancer Syndrome; Neoplastic Syndromes, Hereditary; Hereditary neoplastic syndrome. Identifiers: Orphanet 140162, MedGen C0027672, MeSH D009386, MONDO:0015356.
Mismatch repair cancer syndrome 1 (MMRCS1). Also called: BRAIN TUMOR-POLYPOSIS SYNDROME 1; BTP1 SYNDROME; CHILDHOOD CANCER SYNDROME; MISMATCH REPAIR DEFICIENCY; MMR DEFICIENCY. Identifiers: Orphanet 252202, MedGen C5399763, MONDO:0010159, OMIM 276300. Disease mechanism: loss of function.

Submissions (3):

Labcorp Genetics (formerly Invitae), Labcorp
Classification: Likely benign for Hereditary nonpolyposis colorectal neoplasms. Last evaluated: 2025-12-09. Review status: criteria provided, single submitter. Criteria: Invitae Variant Classification Sherloc (09022015). Collection method: clinical testing. Allele origin: germline.

Ambry Genetics
Classification: Uncertain significance for Hereditary cancer-predisposing syndrome. Last evaluated: 2025-06-14. Review status: criteria provided, single submitter. Criteria: Ambry Variant Classification Scheme 2023. Collection method: clinical testing. Allele origin: germline.
Comment: The c.988+3A>G intronic variant results from an A to G substitution 3 nucleotides after coding exon 9 in the PMS2 gene. This nucleotide position is not well conserved in available vertebrate species. In silico splice site analysis predicts that this alteration will not have any significant effect on splicing. Based on the available evidence, the clinical significance of this variant remains unclear.

Department of Pathology and Laboratory Medicine, Sinai Health System
Classification: Uncertain significance for mismatch repair cancer syndrome 1. Last evaluated: 2024-06-24. Review status: criteria provided, single submitter. Criteria: ACMG Guidelines, 2015. Collection method: clinical testing. Allele origin: germline.